The following is an entry in ClinVar:

ClinVar aggregate classification (germline): Uncertain significance (1 of 4 stars; one submission).

Conditions:
Inborn genetic diseases. Identifiers: MedGen C0950123, MeSH D030342.

Submission:

Ambry Genetics
Classification: Uncertain significance for Inborn genetic diseases. Last evaluated: 2025-03-02. Review status: criteria provided, single submitter. Criteria: Ambry Variant Classification Scheme 2023. Collection method: clinical testing. Allele origin: germline.
Comment: The p.L715P variant (also known as c.2144T>C), located in coding exon 20 of the ANKRD26 gene, results from a T to C substitution at nucleotide position 2144. The leucine at codon 715 is replaced by proline, an amino acid with similar properties. This amino acid position is conserved. In addition, the in silico prediction for this alteration is inconclusive. Based on the available evidence, the clinical significance of this variant remains unclear.

NM_014915.3(ANKRD26):c.2144T>C (p.Leu715Pro)

Gene: ANKRD26 (ankyrin repeat domain containing 26; minus strand). Cytogenetic location: 10p12.1.
Variant type: single nucleotide variant.
Coding change: c.2144T>C on transcript NM_014915.3 (MANE Select); coding-DNA position 2144, T replaced by C.
Protein change: p.Leu715Pro; replaces leucine 715 with proline.
Molecular consequence: missense variant.
Genome position (GRCh38, 1-based): chr10:27,043,443, A>G on the plus strand (T>C on the coding strand, the complement: ANKRD26 is on the minus strand). VCF-style: chr10-27043443-A-G. GRCh37 (hg19) VCF-style: chr10-27332372-A-G.
Other names: c.2141T>C, p.Leu714Pro (NM_001256053.2); short protein forms L715P, L714P.
Identifiers: ClinVar variation 3871900 (VCV003871900.1).
Genomic context (GRCh38, chr10:27,043,443, plus strand): 5'-ATGGGATACATAAAAAGGCCTTAAATTTATGCAATGGTCCTACCTTTACACTCCATTCCA[A>G]GTTGTTCAATGAGCAACATAAAATTCTTGTAACTAGAGTGGGGTAGCTCACAATCCTCTG-3'
Protein context (NP_055730.2, residues 705-725): YKNFMLLIEQ[Leu715Pro]GMECKDSVSL